The following is an entry in ClinVar:

ClinVar aggregate classification (germline): Pathogenic. Review status: reviewed by expert panel (3 of 4 stars). 3 submissions from 3 submitters: Pathogenic (1). 2 of the submissions do not count toward it. Last evaluated 2020-06-01.

Conditions:
Phenylketonuria (PKU). Also called: Phenylketonuria (PKU); FOLLING DISEASE; OLIGOPHRENIA PHENYLPYRUVICA; Phenylketonurias. Identifiers: Orphanet 716, MedGen C0031485, MONDO:0009861, OMIM 261600. Disease mechanism: loss of function.

Submissions (3):

ClinGen PAH Variant Curation Expert Panel
Classification: Pathogenic for Phenylketonuria. Last evaluated: 2020-06-01. Review status: reviewed by expert panel. Criteria: ClinGen PAH ACMG Specifications v1. Collection method: curation. Allele origin: germline. Inheritance: Autosomal recessive inheritance.
Comment: The c.121C>T (p.Leu41Phe) variant in PAH has been reported in 2 individuals with mild PKU (BH4 deficiency excluded). (PMID: 21147011, 8268925). This variant is absent in population databases. This variant has 10% enzyme activity PMID: 21953985. This variant was detected with IVS10-11G>A (PMID: 21147011) and R261Q (PMID: 8268925)). Computational prediction tools are conflicting. In summary, this variant meets criteria to be classified as pathogenic for PAH. PAH-specific ACMG/AMP criteria applied: PP4_Moderate, PS3, PM2, PM3.

Labcorp Genetics (formerly Invitae), Labcorp
Classification: Pathogenic for Phenylketonuria. Last evaluated: 2023-04-10. Review status: criteria provided, single submitter. Criteria: Invitae Variant Classification Sherloc (09022015). Collection method: clinical testing. Allele origin: germline. Not counted in ClinVar's aggregate classification.
Comment: This variant is not present in population databases (gnomAD no frequency). This sequence change replaces leucine, which is neutral and non-polar, with phenylalanine, which is neutral and non-polar, at codon 41 of the PAH protein (p.Leu41Phe). This missense change has been observed in individual(s) with mild phenylketonuria and PAH-related disease (PMID: 8268925, 8830172, 9399896, 26503515, 32668217; BIOPKU). Experimental studies have shown that this missense change affects PAH function (PMID: 11708866). For these reasons, this variant has been classified as Pathogenic. This variant disrupts the p.Leu41 amino acid residue in PAH. Other variant(s) that disrupt this residue have been observed in individuals with PAH-related conditions (PMID: 8830172, 10679941), which suggests that this may be a clinically significant amino acid residue. Advanced modeling of protein sequence and biophysical properties (such as structural, functional, and spatial information, amino acid conservation, physicochemical variation, residue mobility, and thermodynamic stability) performed at Invitae indicates that this missense variant is not expected to disrupt PAH protein function. ClinVar contains an entry for this variant (Variation ID: 102569).

DeBelle Laboratory for Biochemical Genetics, MUHC/MCH RESEARCH INSTITUTE
No classification provided. Review status: no classification provided. Collection method: not provided. Allele origin: not provided. Not counted in ClinVar's aggregate classification.

Literature cited by the submitters: PubMed 21147011 (cited by ClinGen PAH Variant Curation Expert Panel); PubMed 21953985 (cited by ClinGen PAH Variant Curation Expert Panel); PubMed 8268925 (cited by ClinGen PAH Variant Curation Expert Panel and Labcorp Genetics (formerly Invitae), Labcorp); PubMed 8830172 (cited by Labcorp Genetics (formerly Invitae), Labcorp); PubMed 9399896 (cited by Labcorp Genetics (formerly Invitae), Labcorp); PubMed 26503515 (cited by Labcorp Genetics (formerly Invitae), Labcorp); PubMed 32668217 (cited by Labcorp Genetics (formerly Invitae), Labcorp); PubMed 11708866 (cited by Labcorp Genetics (formerly Invitae), Labcorp); PubMed 10679941 (cited by Labcorp Genetics (formerly Invitae), Labcorp).

NM_000277.3(PAH):c.121C>T (p.Leu41Phe)

Gene: PAH (phenylalanine hydroxylase; minus strand). Cytogenetic location: 12q23.2.
Variant type: single nucleotide variant.
Coding change: c.121C>T on transcript NM_000277.3 (MANE Select); coding-DNA position 121, C replaced by T.
Protein change: p.Leu41Phe; replaces leucine 41 with phenylalanine.
Molecular consequence: missense variant.
Genome position (GRCh38, 1-based): chr12:102,912,838, G>A on the plus strand (C>T on the coding strand, the complement: PAH is on the minus strand). VCF-style: chr12-102912838-G-A. GRCh37 (hg19) VCF-style: chr12-103306616-G-A.
Other names: c.121C>T, p.Leu41Phe (NM_001354304.2); short protein forms L41F.
Identifiers: ClinVar variation 102569 (VCV000102569.9), dbSNP rs62642928, ClinGen allele CA229401.